The following is an entry in ClinVar:

ClinVar aggregate classification (germline): Uncertain significance (1 of 4 stars; one submission).

gnomAD v4.1: 1 of 1,515,748 alleles (0.000066%); highest among the groups gnomAD compares: Non-Finnish European, 0.000088%; no homozygotes.

Submission:

Labcorp Genetics (formerly Invitae), Labcorp
Classification: Uncertain significance. Last evaluated: 2022-11-29. Review status: criteria provided, single submitter. Criteria: Invitae Variant Classification Sherloc (09022015). Collection method: clinical testing. Allele origin: germline.
Comment: In summary, the available evidence is currently insufficient to determine the role of this variant in disease. Therefore, it has been classified as a Variant of Uncertain Significance. Algorithms developed to predict the effect of missense changes on protein structure and function are either unavailable or do not agree on the potential impact of this missense change (SIFT: "Not Available"; PolyPhen-2: "Probably Damaging"; Align-GVGD: "Not Available"). This variant has not been reported in the literature in individuals affected with LIPT2-related conditions. This variant is not present in population databases (gnomAD no frequency). This sequence change replaces leucine, which is neutral and non-polar, with valine, which is neutral and non-polar, at codon 105 of the LIPT2 protein (p.Leu105Val).

NM_001144869.3(LIPT2):c.313C>G (p.Leu105Val)

Genes: LIPT2 (lipoyl(octanoyl) transferase 2; minus strand), LIPT2-AS1 (LIPT2 antisense RNA 1; plus strand). Cytogenetic location: 11q13.4.
Variant type: single nucleotide variant.
Coding change: c.313C>G on transcript NM_001144869.3 (MANE Select); coding-DNA position 313, C replaced by G.
Protein change: p.Leu105Val; replaces leucine 105 with valine.
Molecular consequence: missense variant. On other transcripts: non-coding transcript variant (1), intron variant (1).
Genome position (GRCh38, 1-based): chr11:74,493,391, G>C on the plus strand (C>G on the coding strand, the complement: LIPT2 is on the minus strand). VCF-style: chr11-74493391-G-C. GRCh37 (hg19) VCF-style: chr11-74204436-G-C.
Other names: c.313C>G, p.Leu105Val (NM_001329941.2); c.237+76C>G (NM_001329942.2); short protein forms L105V.
Identifiers: ClinVar variation 2091541 (VCV002091541.4), dbSNP rs1057269138, ClinGen allele CA381976643.